The following is an entry in ClinVar:

ClinVar aggregate classification (germline): Uncertain significance (1 of 4 stars; one submission).

Submission:

Labcorp Genetics (formerly Invitae), Labcorp
Classification: Uncertain significance. Last evaluated: 2024-02-06. Review status: criteria provided, single submitter. Criteria: Invitae Variant Classification Sherloc (09022015). Collection method: clinical testing. Allele origin: germline.
Comment: This variant, c.470_475dup, results in the insertion of 2 amino acid(s) of the CEACAM16 protein (p.Ser157_Pro158dup), but otherwise preserves the integrity of the reading frame. This variant is not present in population databases (gnomAD no frequency). This variant has not been reported in the literature in individuals affected with CEACAM16-related conditions. In summary, the available evidence is currently insufficient to determine the role of this variant in disease. Therefore, it has been classified as a Variant of Uncertain Significance.

NM_001039213.4(CEACAM16):c.464GCCCCA[3] (p.Pro158_Thr159insSerPro)

Genes: CEACAM16 (CEA cell adhesion molecule 16, tectorial membrane component; plus strand), CEACAM16-AS1 (CEACAM16, CEACAM19 and PVR antisense RNA 1; minus strand). Cytogenetic location: 19q13.32.
Variant type: Microsatellite.
Coding change: c.464GCCCCA[3] on transcript NM_001039213.4 (MANE Select); three copies in a row of the 6-base unit GCCCCA starting at c.464; the reference has two copies in a row; one copy, 6 bases duplicated.
Protein change: p.Pro158_Thr159insSerPro.
Genome position (GRCh38, 1-based): chr19:44,704,105-44,704,110, GCCCCA duplicated; duplicating any 6 consecutive bases within chr19:44,704,097-44,704,110 gives the same sequence; the position shown is the placement nearest the transcript's 3' end. VCF-style (leftmost placement, unchanged base first): chr19-44704096-G-GCAGCCC. GRCh37 (hg19) VCF-style: chr19-45207366-G-GCAGCCC.
Identifiers: ClinVar variation 3693091 (VCV003693091.2).